The following is an entry in ClinVar:

ClinVar aggregate classification (germline): Pathogenic (1 of 4 stars; one submission).

Conditions:
Nemaline myopathy 2 (NEM2). Also called: Nemaline myopathy 2, autosomal recessive. Identifiers: MedGen C1850569, MONDO:0009725, OMIM 256030.

Submission:

Labcorp Genetics (formerly Invitae), Labcorp
Classification: Pathogenic for Nemaline myopathy 2. Last evaluated: 2021-02-02. Review status: criteria provided, single submitter. Criteria: Invitae Variant Classification Sherloc (09022015). Collection method: clinical testing. Allele origin: germline.
Comment: Algorithms developed to predict the effect of sequence changes on RNA splicing suggest that this variant may disrupt the consensus splice site, but this prediction has not been confirmed by published transcriptional studies. This variant has not been reported in the literature in individuals with NEB-related conditions. This variant is not present in population databases (ExAC no frequency). This sequence change creates a premature translational stop signal (p.Val8260Tyrfs*7) in the NEB gene. It is expected to result in an absent or disrupted protein product. Loss-of-function variants in NEB are known to be pathogenic (PMID: 25205138). For these reasons, this variant has been classified as Pathogenic.

Literature cited by the submitters: PubMed 25205138.

NM_001164508.2(NEB):c.24672+1del

Genes: NEB (nebulin; minus strand), RIF1 (replication timing regulatory factor 1; plus strand). Cytogenetic location: 2q23.3.
Variant type: Deletion.
Coding change: c.24672+1del on transcript NM_001164508.2 (MANE Select); the canonical splice donor site of the intron after coding-DNA position 24672, one base deleted (G; older notation c.24672+1delG).
Molecular consequence: splice donor variant.
Genome position (GRCh38, 1-based): chr2:151,493,774, C deleted on the plus strand (G on the coding strand, the reverse complement: NEB is on the minus strand); the first of 2 consecutive C bases (chr2:151,493,774-151,493,775); deleting either gives the same sequence. VCF-style (leftmost placement, unchanged base first): chr2-151493773-AC-A. GRCh37 (hg19) VCF-style: chr2-152350287-AC-A.
Other names: c.19104+1del (NM_004543.5); c.24672+1del (NM_001164507.2); c.24777+1del (NM_001271208.2).
Identifiers: ClinVar variation 1452770 (VCV001452770.6), dbSNP rs2152861881, ClinGen allele CA2573133044.